The following is an entry in ClinVar:

NM_181836.6(TMED7):c.20C>T (p.Ala7Val)

Genes: TMED7 (transmembrane p24 trafficking protein 7; minus strand), TMED7-TICAM2 (TMED7-TICAM2 readthrough; minus strand). Cytogenetic location: 5q22.3.
Variant type: single nucleotide variant.
Coding change: c.20C>T on transcript NM_181836.6 (MANE Select); coding-DNA position 20, C replaced by T.
Protein change: p.Ala7Val; replaces alanine 7 with valine.
Molecular consequence: missense variant.
Genome position (GRCh38, 1-based): chr5:115,625,773, G>A on the plus strand (C>T on the coding strand, the complement: TMED7 is on the minus strand). VCF-style: chr5-115625773-G-A. GRCh37 (hg19) VCF-style: chr5-114961470-G-A.
Other names: c.20C>T, p.Ala7Val (NM_001164468.4, NM_001164469.4); short protein forms A7V.
Identifiers: ClinVar variation 1924289 (VCV001924289.5), dbSNP rs779568124, ClinGen allele CA3375259.

ClinVar aggregate classification (germline): Uncertain significance (1 of 4 stars; one submission).

Allele frequency attached by ClinVar (database versions not stated): gnomAD exomes 0.00008; ExAC 0.00046; gnomAD 0.00003; TOPMed 0.00003.
gnomAD v4.1: 106 of 1,458,360 alleles (0.0073%); highest among the groups gnomAD compares: South Asian, 0.038%; no homozygotes.

Submission:

Labcorp Genetics (formerly Invitae), Labcorp
Classification: Uncertain significance. Last evaluated: 2025-02-23. Review status: criteria provided, single submitter. Criteria: Invitae Variant Classification Sherloc (09022015). Collection method: clinical testing. Allele origin: germline.
Comment: This sequence change replaces alanine, which is neutral and non-polar, with valine, which is neutral and non-polar, at codon 7 of the TMED7 protein (p.Ala7Val). This variant is present in population databases (rs779568124, gnomAD 0.1%), and has an allele count higher than expected for a pathogenic variant. This variant has not been reported in the literature in individuals affected with TMED7-related conditions. ClinVar contains an entry for this variant (Variation ID: 1924289). An algorithm developed to predict the effect of missense changes on protein structure and function (PolyPhen-2) suggests that this variant is likely to be tolerated. In summary, the available evidence is currently insufficient to determine the role of this variant in disease. Therefore, it has been classified as a Variant of Uncertain Significance.